The following is an entry in ClinVar:

Conditions:
Long QT syndrome 5 (LQT5). Identifiers: Orphanet 101016, Orphanet 768, MedGen C1867904, MONDO:0013372, OMIM 613695.

Submission:

Roden Lab, Vanderbilt University Medical Center
No classification provided (evidence only). Condition: Long QT syndrome 5. Review status: no classification provided. Collection method: in vitro. Allele origin: not applicable. Functional consequence: Effect on ion channel function.
ClinVar note: "not provided" was previously submitted as the classification for the variant. However, the classification appeared to be based only on an observation of functional data so it was converted to no classification on 2025-07-30.

NM_000219.6(KCNE1):c.18C>A (p.Thr6=)

Gene: KCNE1 (potassium voltage-gated channel subfamily E regulatory subunit 1; minus strand). Cytogenetic location: 21q22.12.
Variant type: single nucleotide variant.
Coding change: c.18C>A on transcript NM_000219.6 (MANE Select); coding-DNA position 18, C replaced by A.
Protein change: p.Thr6=; no amino-acid change (threonine 6 retained).
Molecular consequence: synonymous variant.
Genome position (GRCh38, 1-based): chr21:34,449,617, G>T on the plus strand (C>A on the coding strand, the complement: KCNE1 is on the minus strand). VCF-style: chr21-34449617-G-T. GRCh37 (hg19) VCF-style: chr21-35821915-G-T.
Other names: c.18C>A, p.Thr6= (NM_001127668.4, NM_001127669.4, NM_001127670.4 and 4 more transcripts).
Identifiers: ClinVar variation 3374252 (VCV003374252.2).